The following is an entry in ClinVar:

ClinVar aggregate classification (germline): Uncertain significance (1 of 4 stars; one submission).

Submission:

Women's Health and Genetics/Laboratory Corporation of America, LabCorp
Classification: Uncertain significance. Last evaluated: 2023-10-18. Review status: criteria provided, single submitter. Criteria: LabCorp Variant Classification Summary - May 2015. Collection method: clinical testing. Allele origin: germline.
Comment: Variant summary: ZEB2 c.1297C>G (p.Gln433Glu) results in a conservative amino acid change in the encoded protein sequence. Four of five in-silico tools predict a benign effect of the variant on protein function. The variant allele was found at a frequency of 4e-06 in 251188 control chromosomes. The available data on variant occurrences in the general population are insufficient to allow any conclusion about variant significance. To our knowledge, no occurrence of c.1297C>G in individuals affected with Mowat-Wilson Syndrome and no experimental evidence demonstrating its impact on protein function have been reported. No submitters have cited clinical-significance assessments for this variant to ClinVar after 2014. Based on the evidence outlined above, the variant was classified as uncertain significance.

NM_014795.4(ZEB2):c.1297C>G (p.Gln433Glu)

Gene: ZEB2 (zinc finger E-box binding homeobox 2; minus strand). Cytogenetic location: 2q22.3.
Variant type: single nucleotide variant.
Coding change: c.1297C>G on transcript NM_014795.4 (MANE Select); coding-DNA position 1297, C replaced by G.
Protein change: p.Gln433Glu; replaces glutamine 433 with glutamic acid.
Molecular consequence: missense variant.
Genome position (GRCh38, 1-based): chr2:144,399,890, G>C on the plus strand (C>G on the coding strand, the complement: ZEB2 is on the minus strand). VCF-style: chr2-144399890-G-C. GRCh37 (hg19) VCF-style: chr2-145157457-G-C.
Other names: c.1225C>G, p.Gln409Glu (NM_001171653.2); short protein forms Q409E, Q433E.
Identifiers: ClinVar variation 2637810 (VCV002637810.1), dbSNP rs1560607232, ClinGen allele CA348712170.